The following is an entry in ClinVar:

NM_019032.6(ADAMTSL4):c.1493del (p.Leu498fs)

Genes: ADAMTSL4 (ADAMTS like 4; plus strand), ADAMTSL4-AS2 (ADAMTSL4 antisense RNA 2; minus strand). Cytogenetic location: 1q21.2.
Variant type: Deletion.
Coding change: c.1493del on transcript NM_019032.6 (MANE Select); coding-DNA position 1493, one base deleted (T; older notation c.1493delT).
Protein change: p.Leu498fs; shifts the reading frame from leucine 498.
Molecular consequence: frameshift variant.
Genome position (GRCh38, 1-based): chr1:150,556,283, T deleted. VCF-style (leftmost placement, unchanged base first): chr1-150556282-CT-C. GRCh37 (hg19) VCF-style: chr1-150528758-CT-C.
Other names: c.1562del, p.Leu521fs (NM_001288607.2, NM_001288608.2); c.1493del, p.Leu498fs (NM_001378596.1, NM_025008.5); c.1493delT (NM_019032.6); short protein forms L498fs, L521fs.
Identifiers: ClinVar variation 4850259 (VCV004850259.1).

ClinVar aggregate classification (germline): Likely pathogenic (1 of 4 stars; one submission).

Conditions:
Ectopia lentis et pupillae. Also called: ECTOPIA LENTIS WITH ECTOPIA OF PUPIL. Identifiers: Orphanet 1885, MedGen C1644196, MONDO:0009153, OMIM 225200.
Ectopia lentis 2, isolated, autosomal recessive (ECTOL2). Identifiers: Orphanet 1885, MedGen C3541474, MONDO:0009152, OMIM 225100.

Submission:

First Genomix Gene Laboratory, Genetic Diagnostics Department
Classification: Likely pathogenic for Ectopia lentis et pupillae; Ectopia lentis 2, isolated, autosomal recessive. Last evaluated: 2025-09-02. Review status: criteria provided, single submitter. Criteria: ACMG Guidelines, 2015. Collection method: clinical testing. Allele origin: germline. Inheritance: Autosomal recessive inheritance. Affected: no. Observed: 1 variant allele.